The following is an entry in ClinVar:

NM_001025356.3(ANO6):c.1252dup (p.Ala418fs)

Gene: ANO6 (anoctamin 6; plus strand). Cytogenetic location: 12q12.
Variant type: Duplication.
Coding change: c.1252dup on transcript NM_001025356.3 (MANE Select); coding-DNA position 1252, one base duplicated (G; older notation c.1252dupG).
Protein change: p.Ala418fs; shifts the reading frame from alanine 418.
Molecular consequence: frameshift variant.
Genome position (GRCh38, 1-based): chr12:45,388,247, G duplicated. VCF-style (leftmost placement, unchanged base first): chr12-45388246-A-AG. GRCh37 (hg19) VCF-style: chr12-45782029-A-AG.
Other names: c.1198dup, p.Ala400fs (NM_001142678.2); c.1252dup, p.Ala418fs (NM_001142679.2); c.1315dup, p.Ala439fs (NM_001204803.2); c.1219dup, p.Ala407fs (NM_001410973.1); short protein forms A400fs, A407fs, A418fs, A439fs.
Identifiers: ClinVar variation 2634741 (VCV002634741.1), dbSNP rs746960789, ClinGen allele CA6525271.

ClinVar aggregate classification (germline): Likely pathogenic (1 of 4 stars; one submission).

Conditions:
ANO6-related disorder. Also called: ANO6-related condition.

Allele frequency attached by ClinVar (database versions not stated): gnomAD 0.00001; gnomAD exomes 0.00001; ExAC 0.00004.

Submission:

PreventionGenetics, part of Exact Sciences
Classification: Likely pathogenic for ANO6-related condition. Last evaluated: 2023-07-10. Review status: criteria provided, single submitter. Criteria: ACMG Guidelines, 2015. Collection method: clinical testing. Allele origin: germline.
Comment: The ANO6 c.1252dupG variant is predicted to result in a frameshift and premature protein termination (p.Ala418Glyfs*16). To our knowledge, this variant has not been reported in the literature. This variant is reported in 0.026% of alleles in individuals of South Asian descent in gnomAD. Frameshift variants in ANO6 are expected to be pathogenic. This variant is interpreted as likely pathogenic.